The following is an entry in ClinVar:

ClinVar aggregate classification (germline): Uncertain significance (1 of 4 stars; one submission).

Conditions:
Autoimmune interstitial lung disease-arthritis syndrome. Also called: Autoinflammation and autoimmunity, systemic, with immune dysregulation. Identifiers: Orphanet 444092, MedGen C5975714, MONDO:0014629.

Submission:

Labcorp Genetics (formerly Invitae), Labcorp
Classification: Uncertain significance for Autoimmune interstitial lung disease-arthritis syndrome. Last evaluated: 2026-01-06. Review status: criteria provided, single submitter. Criteria: Invitae Variant Classification Sherloc (09022015). Collection method: clinical testing. Allele origin: germline.
Comment: This variant, c.2652_2654del, results in the deletion of 1 amino acid(s) of the COPA protein (p.Glu884del), but otherwise preserves the integrity of the reading frame. This variant is present in population databases (rs778904236, gnomAD 0.03%). This variant has not been reported in the literature in individuals affected with COPA-related conditions. Experimental studies and prediction algorithms are not available or were not evaluated, and the functional significance of this variant is currently unknown. In summary, the available evidence is currently insufficient to determine the role of this variant in disease. Therefore, it has been classified as a Variant of Uncertain Significance.

NM_004371.4(COPA):c.2646AGA[2] (p.Glu884del)

Gene: COPA (coat protein complex I subunit alpha; minus strand). Cytogenetic location: 1q23.2.
Variant type: Microsatellite.
Coding change: c.2646AGA[2] on transcript NM_004371.4 (MANE Select); two copies in a row of the 3-base unit AGA starting at c.2646; the reference has three copies in a row; one copy, 3 bases deleted.
Protein change: p.Glu884del; deletes glutamic acid 884.
Molecular consequence: inframe deletion.
Genome position (GRCh38, 1-based): chr1:160,294,506-160,294,508, TCT deleted on the plus strand (AGA on the coding strand, the reverse complement: COPA is on the minus strand); deleting any 3 consecutive bases within chr1:160,294,506-160,294,514 gives the same sequence; the position shown is the placement nearest the transcript's 3' end. VCF-style (leftmost placement, unchanged base first): chr1-160294505-ATCT-A. GRCh37 (hg19) VCF-style: chr1-160264295-ATCT-A.
Other names: c.2673AGA[2], p.Glu893del (NM_001098398.2); short protein forms E893del, E884del.
Identifiers: ClinVar variation 1428318 (VCV001428318.8), dbSNP rs778904236, ClinGen allele CA1197834.